The following is an entry in ClinVar:

NM_000222.3(KIT):c.2032C>T (p.Leu678Phe)

Gene: KIT (KIT proto-oncogene, receptor tyrosine kinase; plus strand). Cytogenetic location: 4q12.
Variant type: single nucleotide variant.
Coding change: c.2032C>T on transcript NM_000222.3 (MANE Select); coding-DNA position 2032, C replaced by T.
Protein change: p.Leu678Phe; replaces leucine 678 with phenylalanine.
Molecular consequence: missense variant.
Genome position (GRCh38, 1-based): chr4:54,729,376, C>T. VCF-style: chr4-54729376-C-T. GRCh37 (hg19) VCF-style: chr4-55595542-C-T.
Other names: c.2020C>T, p.Leu674Phe (NM_001093772.2, NM_001385286.1); c.2035C>T, p.Leu679Phe (NM_001385284.1, NM_001385290.1); c.2032C>T, p.Leu678Phe (NM_001385285.1); c.2023C>T, p.Leu675Phe (NM_001385288.1, NM_001385292.1); short protein forms L674F, L675F, L678F, L679F.
Identifiers: ClinVar variation 3775870 (VCV003775870.1).

ClinVar aggregate classification (germline): Uncertain significance (1 of 4 stars; one submission).

Conditions:
Piebaldism. Also called: Piebald skin depigmentation. Identifiers: Orphanet 2884, MedGen C0080024, MONDO:0008244, OMIM 172800, HP:0007544.

Submission:

3billion
Classification: Uncertain significance for Piebaldism. Last evaluated: 2023-09-14. Review status: criteria provided, single submitter. Criteria: ACMG Guidelines, 2015. Collection method: clinical testing. Allele origin: germline. Affected: yes.
Comment: The variant is not observed in the gnomAD v2.1.1 dataset. Predicted Consequence/Location: Missense variant In silico tool predictions suggest damaging effect of the variant on gene or gene product [REVEL: 0.94 (>=0.6, sensitivity 0.68 and specificity 0.92); 3Cnet: 0.81 (>=0.6, sensitivity 0.72 and precision 0.9)]. Therefore, this variant is classified as VUS according to the recommendation of ACMG/AMP guideline.